The following is an entry in ClinVar:

ClinVar aggregate classification (germline): Uncertain significance. Review status: criteria provided, multiple submitters, no conflicts (2 of 4 stars). 2 submissions from 2 submitters: Uncertain significance (2). Last evaluated 2023-12-19.

Conditions:
Epidermolysis bullosa simplex with nail dystrophy (EBS5D). Identifiers: MedGen C4225309, MONDO:0014661, OMIM 616487.
Epidermolysis bullosa simplex, Ogna type (EBS5A). Also called: EPIDERMOLYSIS BULLOSA SIMPLEX 5A, OGNA TYPE; Pidermolysis bullosa simplex 5A, Ogna type. Identifiers: Orphanet 79401, MedGen C0432317, MONDO:0007555, OMIM 131950.
Epidermolysis bullosa simplex 5C, with pyloric atresia (EBS5C). Also called: PLEC1-Related Epidermolysis Bullosa with Pyloric Atresia; PLEC-Related Epidermolysis Bullosa with Pyloric Atresia; Epidermolysis bullosa simplex with pyloric atresia. Identifiers: Orphanet 158684, MedGen C2677349, MONDO:0012807, OMIM 612138.
Autosomal recessive limb-girdle muscular dystrophy type 2Q (LGMDR17). Also called: MUSCULAR DYSTROPHY, LIMB-GIRDLE, AUTOSOMAL RECESSIVE 17. Identifiers: Orphanet 254361, MedGen C3150989, MONDO:0013390, OMIM 613723.
Epidermolysis bullosa simplex 5B, with muscular dystrophy (EBS5B). Also called: EPIDERMOLYSIS BULLOSA SIMPLEX AND LIMB-GIRDLE MUSCULAR DYSTROPHY; Epidermolysis bullosa simplex with muscular dystrophy. Identifiers: Orphanet 257, MedGen C2931072, MONDO:0009181, OMIM 226670.

Allele frequency attached by ClinVar (database versions not stated): TOPMed 0.00001.

Submissions (2):

Revvity Omics, Revvity
Classification: Uncertain significance. Last evaluated: 2023-12-19. Review status: criteria provided, single submitter. Criteria: ACMG Guidelines, 2015. Collection method: clinical testing. Allele origin: germline.

Labcorp Genetics (formerly Invitae), Labcorp
Classification: Uncertain significance for Autosomal recessive limb-girdle muscular dystrophy type 2Q; Epidermolysis bullosa simplex, Ogna type; Epidermolysis bullosa simplex with nail dystrophy; Epidermolysis bullosa simplex 5C, with pyloric atresia; Epidermolysis bullosa simplex 5B, with muscular dystrophy. Last evaluated: 2022-11-08. Review status: criteria provided, single submitter. Criteria: Invitae Variant Classification Sherloc (09022015). Collection method: clinical testing. Allele origin: germline.
Comment: Algorithms developed to predict the effect of missense changes on protein structure and function (SIFT, PolyPhen-2, Align-GVGD) all suggest that this variant is likely to be disruptive. This sequence change replaces threonine, which is neutral and polar, with asparagine, which is neutral and polar, at codon 3091 of the PLEC protein (p.Thr3091Asn). This variant is not present in population databases (gnomAD no frequency). This variant has not been reported in the literature in individuals affected with PLEC-related conditions. In summary, the available evidence is currently insufficient to determine the role of this variant in disease. Therefore, it has been classified as a Variant of Uncertain Significance.

NM_201384.3(PLEC):c.9191C>A (p.Thr3064Asn)

Gene: PLEC (plectin; minus strand). Cytogenetic location: 8q24.3.
Variant type: single nucleotide variant.
Coding change: c.9191C>A on transcript NM_201384.3 (MANE Select); coding-DNA position 9191, C replaced by A.
Protein change: p.Thr3064Asn; replaces threonine 3064 with asparagine.
Molecular consequence: missense variant.
Genome position (GRCh38, 1-based): chr8:143,920,630, G>T on the plus strand (C>A on the coding strand, the complement: PLEC is on the minus strand). VCF-style: chr8-143920630-G-T. GRCh37 (hg19) VCF-style: chr8-144994798-G-T.
Other names: c.9272C>A, p.Thr3091Asn (NM_000445.5); c.5891C>A, p.Thr1964Asn (NM_001410941.1); c.9149C>A, p.Thr3050Asn (NM_201378.4); c.9125C>A, p.Thr3042Asn (NM_201379.3); c.9602C>A, p.Thr3201Asn (NM_201380.4); c.9095C>A, p.Thr3032Asn (NM_201381.3); c.9191C>A, p.Thr3064Asn (NM_201382.4); c.9203C>A, p.Thr3068Asn (NM_201383.3); short protein forms T3032N, T3201N, T3042N, T3091N, T1964N, T3064N, T3050N, T3068N.
Identifiers: ClinVar variation 2925717 (VCV002925717.4), dbSNP rs530059869, ClinGen allele CA372513424.